The following is an entry in ClinVar:

ClinVar aggregate classification (germline): other (0 of 4 stars; one submission).

Conditions:
Familial colorectal cancer. Identifiers: MedGen CN280943, MONDO:0023113. Disease mechanism: loss of function.

Submission:

Systems Biology Platform Zhejiang California International NanoSystems Institute
Classification: other for Familial colorectal cancer. Review status: no assertion criteria provided. Collection method: not provided. Allele origin: unknown.
ClinVar note: Converted during submission from cancer to other.

NM_001127511.3(APC):c.166-28627T>G

Gene: APC (APC regulator of Wnt signaling pathway; plus strand). Cytogenetic location: 5q22.2.
Variant type: single nucleotide variant.
Coding change: c.166-28627T>G on transcript NM_001127511.3; 28627 bases into the intron before coding-DNA position 166, T replaced by G.
Molecular consequence: intron variant.
Genome position (GRCh38, 1-based): chr5:112,737,699, T>G. VCF-style: chr5-112737699-T-G. GRCh37 (hg19) VCF-style: chr5-112073396-T-G.
Other names: c.-1053-17174T>G (NM_001407470.1, NM_001407472.1); c.-18-17174T>G (NM_001407447.1, NM_001354895.2, NM_001407456.1 and 7 more transcripts); c.166-28627T>G (NM_001407446.1, NM_001354897.2, NM_001354902.2); c.-42-28627T>G (NM_001407453.1).
Identifiers: ClinVar variation 82326 (VCV000082326.4), dbSNP rs77733015, ClinGen allele CA023884.